The following is an entry in ClinVar:

NM_005535.3(IL12RB1):c.1172C>T (p.Pro391Leu)

Gene: IL12RB1 (interleukin 12 receptor subunit beta 1; minus strand). Cytogenetic location: 19p13.11.
Variant type: single nucleotide variant.
Coding change: c.1172C>T on transcript NM_005535.3 (MANE Select); coding-DNA position 1172, C replaced by T.
Protein change: p.Pro391Leu; replaces proline 391 with leucine.
Molecular consequence: missense variant.
Genome position (GRCh38, 1-based): chr19:18,069,563, G>A on the plus strand (C>T on the coding strand, the complement: IL12RB1 is on the minus strand). VCF-style: chr19-18069563-G-A. GRCh37 (hg19) VCF-style: chr19-18180373-G-A.
Other names: c.1172C>T, p.Pro391Leu (NM_001290023.2); c.1292C>T, p.Pro431Leu (NM_001290024.2); short protein forms P391L, P431L.
Identifiers: ClinVar variation 474975 (VCV000474975.23), dbSNP rs140254802, ClinGen allele CA9304941.
Genomic context (GRCh38, chr19:18,069,563, plus strand): 5'-GGGCACAGAGGAGGGGTAGGCGCAGGCCATTCCAGGCCATTACCCATTCCAGCCGGATCC[G>A]GGTCTTGCGGCGCAGTCAGGCTGCAGGTGGCAAGGCCCCCGTCCTGGCCCACAGGCTGCC-3'
Protein context (NP_005526.1, residues 381-401): ATCSLTAPQD[Pro391Leu]DPAGMATYSW

ClinVar aggregate classification (germline): Conflicting classifications of pathogenicity. Review status: criteria provided, conflicting classifications (1 of 4 stars). 6 submissions from 6 submitters: Uncertain significance (2); Likely benign (1). 3 of the submissions do not count toward it. Last evaluated 2026-01-27.

Conditions:
IL12RB1-related disorder. Also called: IL12RB1-related condition.
Mendelian susceptibility to mycobacterial diseases due to complete IL12RB1 deficiency. Also called: IL12RB1 DEFICIENCY; Immunodeficiency 30. Identifiers: Orphanet 319552, MedGen C4013949, MONDO:0013955, OMIM 614891.

Allele frequency attached by ClinVar (database versions not stated): 1000 Genomes Project 0.00040; 1000 Genomes Project 30x 0.00047; ExAC 0.00098; gnomAD exomes 0.00101; gnomAD 0.00119 and 0.00123; ESP Exome Variant Server 0.00130; TOPMed 0.00138.
gnomAD v4.1: 2,928 of 1,610,118 alleles (0.18%); highest among the groups gnomAD compares: Non-Finnish European, 0.23%; 4 homozygotes.

Submissions (6):

Labcorp Genetics (formerly Invitae), Labcorp
Classification: Likely benign for Mendelian susceptibility to mycobacterial diseases due to complete IL12RB1 deficiency. Last evaluated: 2026-01-27. Review status: criteria provided, single submitter. Criteria: Invitae Variant Classification Sherloc (09022015). Collection method: clinical testing. Allele origin: germline.

Blueprint Genetics
Classification: Uncertain significance. Last evaluated: 2024-11-26. Review status: criteria provided, single submitter. Criteria: ACMG Guidelines, 2015. Collection method: clinical testing. Allele origin: germline.

Illumina Laboratory Services, Illumina
Classification: Uncertain significance for Mendelian susceptibility to mycobacterial diseases due to complete IL12RB1 deficiency. Last evaluated: 2018-01-12. Review status: criteria provided, single submitter. Criteria: ICSL Variant Classification Criteria 13 December 2019. Collection method: clinical testing. Allele origin: germline.

PreventionGenetics, part of Exact Sciences
Classification: Likely benign for IL12RB1-related condition. Last evaluated: 2023-10-18. Review status: no assertion criteria provided. Collection method: clinical testing. Allele origin: germline. Not counted in ClinVar's aggregate classification.
Comment: This variant is classified as likely benign based on ACMG/AMP sequence variant interpretation guidelines (Richards et al. 2015 PMID: 25741868, with internal and published modifications).

Clinical Genetics DNA and cytogenetics Diagnostics Lab, Erasmus MC, Erasmus Medical Center
Classification: Likely benign. Review status: no assertion criteria provided. Collection method: clinical testing. Allele origin: germline. Affected: yes. Study: VKGL Data-share Consensus. Not counted in ClinVar's aggregate classification.

Genome Diagnostics Laboratory, University Medical Center Utrecht
Classification: Likely benign. Review status: no assertion criteria provided. Collection method: clinical testing. Allele origin: germline. Affected: yes. Study: VKGL Data-share Consensus. Not counted in ClinVar's aggregate classification.